The following is an entry in ClinVar:

NM_000255.4(MMUT):c.544dup (p.Met182fs)

Gene: MMUT (methylmalonyl-CoA mutase; minus strand). Cytogenetic location: 6p12.3.
Variant type: Duplication.
Coding change: c.544dup on transcript NM_000255.4 (MANE Select); coding-DNA position 544, one base duplicated (A; older notation c.544dupA).
Protein change: p.Met182fs; shifts the reading frame from methionine 182.
Molecular consequence: frameshift variant.
Genome position (GRCh38, 1-based): chr6:49,457,900, T duplicated on the plus strand (A on the coding strand, the reverse complement: MMUT is on the minus strand); the first of 6 consecutive T bases (chr6:49,457,900-49,457,905); duplicating any one gives the same sequence. VCF-style (leftmost placement, unchanged base first): chr6-49457899-A-AT. GRCh37 (hg19) VCF-style: chr6-49425612-A-AT.
Other names: c.544dupA (NM_000255.3); c.544dup (NM_000255.3); short protein forms M182fs.
Identifiers: ClinVar variation 1705196 (VCV001705196.4), dbSNP rs746556715, ClinGen allele CA3847095.

ClinVar aggregate classification (germline): Pathogenic. Review status: criteria provided, multiple submitters, no conflicts (2 of 4 stars). 3 submissions from 3 submitters: Pathogenic (3). Last evaluated 2025-01-26.

Conditions:
Methylmalonic aciduria due to complete methylmalonyl-CoA mutase deficiency.
Methylmalonic acidemia (MMA). Also called: Isolated Methylmalonic Acidemia. Identifiers: MedGen C0268583, MeSH C537358, MONDO:0002012, HP:0002912.
Methylmalonic aciduria due to methylmalonyl-CoA mutase deficiency (MAMM). Also called: Methylmalonic aciduria, mut type. Identifiers: Orphanet 27, MedGen C1855114, MONDO:0009612, OMIM 251000.

Submissions (3):

Natera, Inc.
Classification: Pathogenic for Methylmalonic aciduria due to complete methylmalonyl-CoA mutase deficiency. Last evaluated: 2025-01-26. Review status: criteria provided, single submitter. Criteria: Natera Variant Classification Schema (03/2026). Collection method: clinical testing. Allele origin: germline.
Comment: The c.544dup variant in MMUT is a frameshift variant predicted to shift the reading frame beginning at codon 182 and leads to a stop codon 29 codons downstream. This variant is expected to result in nonsense mediated decay, truncation, or a dysfunctional protein product. This variant is rare in the general population with a frequency below the threshold expected for the associated phenotype(s). This variant has been observed in one or more individuals affected with the associated recessive disease, as either homozygous or compound heterozygous with a second variant (PMID: 33413471). Given the available evidence, this variant is classified as Pathogenic.

3billion
Classification: Pathogenic for Methylmalonic aciduria due to methylmalonyl-CoA mutase deficiency. Last evaluated: 2024-08-12. Review status: criteria provided, single submitter. Criteria: ACMG Guidelines, 2015. Collection method: clinical testing. Allele origin: germline. Affected: yes.
Comment: The variant is observed at an extremely low frequency in the gnomAD v4.0.0 dataset (total allele frequency: <0.001%). Predicted Consequence/Location: Frameshift: predicted to result in a loss or disruption of normal protein function through nonsense-mediated decay (NMD) or protein truncation. Multiple pathogenic variants are reported downstream of the variant. The variant has been reported to be associated with MMUT related disorder (ClinVar ID: VCV001705196 /PMID: 10923046). Therefore, this variant is classified as Pathogenic according to the recommendation of ACMG/AMP guideline.

Women's Health and Genetics/Laboratory Corporation of America, LabCorp
Classification: Pathogenic for Methylmalonic acidemia. Last evaluated: 2022-08-25. Review status: criteria provided, single submitter. Criteria: LabCorp Variant Classification Summary - May 2015. Collection method: clinical testing. Allele origin: germline.
Comment: Variant summary: MUT c.544dupA (p.Met182AsnfsX29) results in a premature termination codon, predicted to cause a truncation of the encoded protein or absence of the protein due to nonsense mediated decay, which are commonly known mechanisms for disease. Truncations downstream of this position have been classified as pathogenic by our laboratory. The variant allele was found at a frequency of 8e-06 in 251008 control chromosomes (gnomAD). c.544dupA has been reported in the literature in bi-allelic form in multiple individuals affected with Methylmalonic Acidemia (examples: Fuchshuber_2000 through HGMD, Forny_2016 and Liang_2021). These data indicate that the variant is very likely to be associated with disease. At least one publication reports experimental evidence evaluating an impact on protein function, and reports the variant as a null allele using propionate incorporation assay (Forny_2016). No clinical diagnostic laboratories have submitted clinical-significance assessments for this variant to ClinVar after 2014. Based on the evidence outlined above, the variant was classified as pathogenic.

Literature cited by the submitters: PubMed 33413471 (cited by Natera, Inc. and Women's Health and Genetics/Laboratory Corporation of America, LabCorp); PubMed 10923046 (cited by 3billion and Women's Health and Genetics/Laboratory Corporation of America, LabCorp); PubMed 27167370 (cited by Women's Health and Genetics/Laboratory Corporation of America, LabCorp).